The following is an entry in ClinVar:

NM_014847.4(UBAP2L):c.15G>A (p.Val5=)

Gene: UBAP2L (ubiquitin associated protein 2 like; plus strand). Cytogenetic location: 1q21.3.
Variant type: single nucleotide variant.
Coding change: c.15G>A on transcript NM_014847.4 (MANE Select); coding-DNA position 15, G replaced by A.
Protein change: p.Val5=; no amino-acid change (valine 5 retained).
Molecular consequence: synonymous variant.
Genome position (GRCh38, 1-based): chr1:154,225,138, G>A. VCF-style: chr1-154225138-G-A. GRCh37 (hg19) VCF-style: chr1-154197614-G-A.
Other names: c.15G>A, p.Val5= (NM_001127320.3, NM_001287815.1, NM_001287816.1 and 20 more transcripts).
Identifiers: ClinVar variation 4874483 (VCV004874483.2).

ClinVar aggregate classification (germline): Likely benign (1 of 4 stars; one submission).

gnomAD v4.1: 6 of 1,613,988 alleles (0.00037%); highest among the groups gnomAD compares: Admixed American, 0.01%; no homozygotes.

Submission:

CeGaT Center for Human Genetics Tuebingen
Classification: Likely benign. Last evaluated: 2026-04-01. Review status: criteria provided, single submitter. Criteria: CeGaT Center For Human Genetics Tuebingen Variant Classification Criteria Version 2. Collection method: clinical testing. Allele origin: germline. Affected: yes. Observed: 1 variant allele.
Comment: UBAP2L: BP4